The following is an entry in ClinVar:

ClinVar aggregate classification (germline): Uncertain significance (1 of 4 stars; one submission).

gnomAD v4.1: 7 of 1,606,028 alleles (0.00044%); highest among the groups gnomAD compares: Non-Finnish European, 0.00051%; no homozygotes.

Submission:

Ambry Genetics
Classification: Uncertain significance. Last evaluated: 2023-12-20. Review status: criteria provided, single submitter. Criteria: Ambry Variant Classification Scheme 2023. Collection method: clinical testing. Allele origin: germline.
Comment: The p.R75G variant (also known as c.223C>G), located in coding exon 4 of the RAD54L gene, results from a C to G substitution at nucleotide position 223. The arginine at codon 75 is replaced by glycine, an amino acid with dissimilar properties. This amino acid position is conserved. In addition, the in silico prediction for this alteration is inconclusive. Since supporting evidence is limited at this time, the clinical significance of this alteration remains unclear.

NM_003579.4(RAD54L):c.223C>G (p.Arg75Gly)

Gene: RAD54L (RAD54 like; plus strand). Cytogenetic location: 1p34.1.
Variant type: single nucleotide variant.
Coding change: c.223C>G on transcript NM_003579.4 (MANE Select); coding-DNA position 223, C replaced by G.
Protein change: p.Arg75Gly; replaces arginine 75 with glycine.
Molecular consequence: missense variant. On other transcripts: 5 prime UTR variant (1).
Genome position (GRCh38, 1-based): chr1:46,258,698, C>G. VCF-style: chr1-46258698-C-G. GRCh37 (hg19) VCF-style: chr1-46724370-C-G.
Other names: c.223C>G, p.Arg75Gly (NM_001142548.2); c.-318C>G (NM_001370766.1); short protein forms R75G.
Identifiers: ClinVar variation 1788243 (VCV001788243.2), dbSNP rs138566817, ClinGen allele CA340180428.
Genomic context (GRCh38, chr1:46,258,698, plus strand): 5'-ATAACATCTCCAGTCAGTCCTGAATCCTTGTTTCTCCTTTCTTTTTAGGAAGCATTTATT[C>G]GAAGCATTTTGTCAAAGCCTTTCAAAGTCCCCATTCCAAATTATCAAGGTAAAATGGAGG-3'
Protein context (NP_003570.2, residues 65-85): LDSSQHEAFI[Arg75Gly]SILSKPFKVP